The following is an entry in ClinVar:

NM_003480.4(MFAP5):c.430G>T (p.Ala144Ser)

Genes: MFAP5 (microfibril associated protein 5; minus strand), LOC126861443 (BRD4-independent group 4 enhancer GRCh37_chr12:8800473-8801672; plus strand). Cytogenetic location: 12p13.31.
Variant type: single nucleotide variant.
Coding change: c.430G>T on transcript NM_003480.4 (MANE Select); coding-DNA position 430, G replaced by T.
Protein change: p.Ala144Ser; replaces alanine 144 with serine.
Molecular consequence: missense variant. On other transcripts: non-coding transcript variant (2).
Genome position (GRCh38, 1-based): chr12:8,648,183, C>A on the plus strand (G>T on the coding strand, the complement: MFAP5 is on the minus strand). VCF-style: chr12-8648183-C-A. GRCh37 (hg19) VCF-style: chr12-8800779-C-A.
Other names: c.400G>T, p.Ala134Ser (NM_001297709.2); c.364G>T, p.Ala122Ser (NM_001297710.2); c.355G>T, p.Ala119Ser (NM_001297711.2); c.238G>T, p.Ala80Ser (NM_001297712.2); short protein forms A119S, A122S, A134S, A144S, A80S.
Identifiers: ClinVar variation 1739627 (VCV001739627.2), dbSNP rs1565521133, ClinGen allele CA384038758.

ClinVar aggregate classification (germline): Uncertain significance (1 of 4 stars; one submission).

Conditions:
Cardiovascular phenotype. Identifiers: MedGen CN230736.

Submission:

Ambry Genetics
Classification: Uncertain significance for Cardiovascular phenotype. Last evaluated: 2019-11-01. Review status: criteria provided, single submitter. Criteria: Ambry Variant Classification Scheme 2023. Collection method: clinical testing. Allele origin: germline.
Comment: The p.A144S variant (also known as c.430G>T), located in coding exon 9 of the MFAP5 gene, results from a G to T substitution at nucleotide position 430. The alanine at codon 144 is replaced by serine, an amino acid with similar properties. This amino acid position is highly conserved in available vertebrate species. In addition, this alteration is predicted to be tolerated by in silico analysis. Since supporting evidence is limited at this time, the clinical significance of this alteration remains unclear.